The following is an entry in ClinVar:

NM_001042492.3(NF1):c.3811A>G (p.Met1271Val)

Gene: NF1 (neurofibromin 1; plus strand). Cytogenetic location: 17q11.2.
Variant type: single nucleotide variant.
Coding change: c.3811A>G on transcript NM_001042492.3 (MANE Select); coding-DNA position 3811, A replaced by G.
Protein change: p.Met1271Val; replaces methionine 1271 with valine.
Molecular consequence: missense variant.
Genome position (GRCh38, 1-based): chr17:31,235,713, A>G. VCF-style: chr17-31235713-A-G. GRCh37 (hg19) VCF-style: chr17-29562731-A-G.
Other names: c.3811A>G, p.Met1271Val (NM_000267.4); short protein forms M1271V.
Identifiers: ClinVar variation 457669 (VCV000457669.20), dbSNP rs746583007, ClinGen allele CA8486234.

ClinVar aggregate classification (germline): Conflicting classifications of pathogenicity. Review status: criteria provided, conflicting classifications (1 of 4 stars). 6 submissions from 6 submitters: Uncertain significance (5); Likely benign (1). Last evaluated 2026-01-25.

Conditions:
Neurofibromatosis, type 1 (NF1). Also called: Neurofibromatosis, type I; Peripheral type neurofibromatosis; VON RECKLINGHAUSEN DISEASE; NEUROFIBROMATOSIS, TYPE I, SOMATIC. Identifiers: Orphanet 636, MedGen C0027831, MONDO:0018975, OMIM 162200. Disease mechanism: loss of function.
Juvenile myelomonocytic leukemia (JMML). Also called: LEUKEMIA, JUVENILE MYELOMONOCYTIC, SOMATIC. Identifiers: Orphanet 86834, MedGen C0349639, MONDO:0011908, OMIM 607785, HP:0012209.
Café-au-lait macules with pulmonary stenosis (WTSN). Also called: PULMONIC STENOSIS WITH CAFE-AU-LAIT SPOTS. Identifiers: MedGen C0553586, MONDO:0008672, OMIM 193520.
Neurofibromatosis, familial spinal (FSNF). Identifiers: Orphanet 636, MedGen C1834235, MONDO:0008078, OMIM 162210. Disease mechanism: loss of function.
Neurofibromatosis-Noonan syndrome (NFNS). Also called: NEUROFIBROMATOSIS WITH NOONAN PHENOTYPE. Identifiers: Orphanet 638, MedGen C2931482, MONDO:0011035, OMIM 601321. Disease mechanism: loss of function.
Cardiovascular phenotype. Identifiers: MedGen CN230736.
Hereditary cancer-predisposing syndrome. Also called: Neoplastic Syndromes, Hereditary; Tumor predisposition; Hereditary neoplastic syndrome; Hereditary Cancer Syndrome. Identifiers: Orphanet 140162, MedGen C0027672, MeSH D009386, MONDO:0015356.

Allele frequency attached by ClinVar (database versions not stated): gnomAD 0.00001; gnomAD exomes 0.00001; ExAC 0.00001.

Submissions (6):

Labcorp Genetics (formerly Invitae), Labcorp
Classification: Likely benign for Neurofibromatosis, type 1. Last evaluated: 2026-01-25. Review status: criteria provided, single submitter. Criteria: Invitae Variant Classification Sherloc (09022015). Collection method: clinical testing. Allele origin: germline.

Dasa
Classification: Uncertain significance. Last evaluated: 2025-05-21. Review status: criteria provided, single submitter. Criteria: DASA Assertion Criteria. Collection method: clinical testing. Allele origin: germline.
Comment: NM_001042492.3(NF1):c.3811A>G (p.Met1271Val) is a missense variant that results in the substitution of methionine with valine. This classification is supported by population frequency inconsistent with a disease-causing role. The currently available literature and clinical evidence are not sufficient to establish a definitive association between this variant and the reported condition. Therefore, this variant is classified as a variant of uncertain significance.

Ambry Genetics
Classification: Uncertain significance for Cardiovascular phenotype; Hereditary cancer-predisposing syndrome. Last evaluated: 2025-02-26. Review status: criteria provided, single submitter. Criteria: Ambry Variant Classification Scheme 2023. Collection method: clinical testing. Allele origin: germline.
Comment: The p.M1271V variant (also known as c.3811A>G), located in coding exon 28 of the NF1 gene, results from an A to G substitution at nucleotide position 3811. The methionine at codon 1271 is replaced by valine, an amino acid with highly similar properties. This amino acid position is highly conserved in available vertebrate species. In addition, this alteration is predicted to be deleterious by in silico analysis. Since supporting evidence is limited at this time, the clinical significance of this alteration remains unclear.

Genome-Nilou Lab
Classification: Uncertain significance for Neurofibromatosis, type 1. Last evaluated: 2022-03-15. Review status: criteria provided, single submitter. Criteria: ACMG Guidelines, 2015. Collection method: clinical testing. Allele origin: germline. Affected: no.

GeneDx
Classification: Uncertain significance. Last evaluated: 2021-08-18. Review status: criteria provided, single submitter. Criteria: GeneDx Variant Classification Process June 2021. Collection method: clinical testing. Allele origin: germline. Affected: yes.
Comment: In silico analysis supports that this missense variant does not alter protein structure/function; Has not been previously published as pathogenic or benign to our knowledge; This variant is associated with the following publications: (PMID: 25486365, 22807134)

Fulgent Genetics
Classification: Uncertain significance for Neurofibromatosis, type 1; Neurofibromatosis, familial spinal; Café-au-lait macules with pulmonary stenosis; Neurofibromatosis-Noonan syndrome; Juvenile myelomonocytic leukemia. Last evaluated: 2018-10-31. Review status: criteria provided, single submitter. Criteria: ACMG Guidelines, 2015. Collection method: clinical testing. Allele origin: unknown.